The following is an entry in ClinVar:

ClinVar aggregate classification (germline): Uncertain significance. Review status: criteria provided, multiple submitters, no conflicts (2 of 4 stars). 2 submissions from 2 submitters: Uncertain significance (2). Last evaluated 2022-06-27.

Conditions:
CHIME syndrome (CHIME). Also called: GLYCOSYLPHOSPHATIDYLINOSITOL BIOSYNTHESIS DEFECT 5; COLOBOMA, CONGENITAL HEART DISEASE, ICHTHYOSIFORM DERMATOSIS, IMPAIRED INTELLECTUAL DEVELOPMENT, AND EAR ANOMALIES SYNDROME. Identifiers: Orphanet 3474, MedGen C1848392, MONDO:0010221, OMIM 280000.

Allele frequency attached by ClinVar (database versions not stated): ExAC 0.00003; gnomAD exomes 0.00004 and 0.00006; gnomAD 0.00010 and 0.00011; TOPMed 0.00013.

Submissions (2):

GeneDx
Classification: Uncertain significance. Last evaluated: 2022-06-27. Review status: criteria provided, single submitter. Criteria: GeneDx Variant Classification Process June 2021. Collection method: clinical testing. Allele origin: germline. Affected: yes.
Comment: Has not been previously published as pathogenic or benign to our knowledge; In silico analysis supports that this missense variant does not alter protein structure/function

Illumina Laboratory Services, Illumina
Classification: Uncertain significance for CHIME syndrome. Last evaluated: 2018-01-12. Review status: criteria provided, single submitter. Criteria: ICSL Variant Classification Criteria 13 December 2019. Collection method: clinical testing. Allele origin: germline.

NM_004278.4(PIGL):c.542C>T (p.Thr181Met)

Gene: PIGL (phosphatidylinositol glycan anchor biosynthesis class L; plus strand). Cytogenetic location: 17p11.2.
Variant type: single nucleotide variant.
Coding change: c.542C>T on transcript NM_004278.4 (MANE Select); coding-DNA position 542, C replaced by T.
Protein change: p.Thr181Met; replaces threonine 181 with methionine.
Molecular consequence: missense variant.
Genome position (GRCh38, 1-based): chr17:16,317,790, C>T. VCF-style: chr17-16317790-C-T. GRCh37 (hg19) VCF-style: chr17-16221104-C-T.
Other names: short protein forms T181M.
Identifiers: ClinVar variation 321989 (VCV000321989.7), dbSNP rs748231024, ClinGen allele CA8409985.